The following is an entry in ClinVar:

NM_181712.5(KANK4):c.1522C>T (p.Gln508Ter)

Gene: KANK4 (KN motif and ankyrin repeat domains 4; minus strand). Cytogenetic location: 1p31.3.
Variant type: single nucleotide variant.
Coding change: c.1522C>T on transcript NM_181712.5 (MANE Select); coding-DNA position 1522, C replaced by T.
Protein change: p.Gln508Ter; replaces glutamine 508 with a stop codon.
Molecular consequence: nonsense. On other transcripts: intron variant (1).
Genome position (GRCh38, 1-based): chr1:62,273,582, G>A on the plus strand (C>T on the coding strand, the complement: KANK4 is on the minus strand). VCF-style: chr1-62273582-G-A. GRCh37 (hg19) VCF-style: chr1-62739254-G-A.
Other names: c.17-1993C>T (NM_001320269.2); short protein forms Q508*.
Identifiers: ClinVar variation 2706727 (VCV002706727.3), dbSNP rs2545989313, ClinGen allele CA340612560.
Genomic context (GRCh38, chr1:62,273,582, plus strand): 5'-TGTCGCTGCCCCACAGAAAGCCTCCTGCTCCCCTGGTTCCTCCCTGAGGGCCTCCTTCCT[G>A]TTCAGTGCCTGCTTCTTCAATCCTGAGTTCAGTGGAGAGGAAGCTATGTACAGAGGAGGT-3'

ClinVar aggregate classification (germline): Uncertain significance (1 of 4 stars; one submission).

Submission:

Labcorp Genetics (formerly Invitae), Labcorp
Classification: Uncertain significance. Last evaluated: 2023-12-31. Review status: criteria provided, single submitter. Criteria: Invitae Variant Classification Sherloc (09022015). Collection method: clinical testing. Allele origin: germline.
Comment: This sequence change creates a premature translational stop signal (p.Gln508*) in the KANK4 gene. It is expected to result in an absent or disrupted protein product. However, the current clinical and genetic evidence is not sufficient to establish whether loss-of-function variants in KANK4 cause disease. This variant is not present in population databases (gnomAD no frequency). This variant has not been reported in the literature in individuals affected with KANK4-related conditions. In summary, the available evidence is currently insufficient to determine the role of this variant in disease. Therefore, it has been classified as a Variant of Uncertain Significance.